The following is an entry in ClinVar:

NM_201253.3(CRB1):c.2118C>T (p.Asn706=)

Gene: CRB1 (crumbs cell polarity complex component 1; plus strand). Cytogenetic location: 1q31.3.
Variant type: single nucleotide variant.
Coding change: c.2118C>T on transcript NM_201253.3 (MANE Select); coding-DNA position 2118, C replaced by T.
Protein change: p.Asn706=; no amino-acid change (asparagine 706 retained).
Molecular consequence: synonymous variant. On other transcripts: non-coding transcript variant (2).
Genome position (GRCh38, 1-based): chr1:197,421,946, C>T. VCF-style: chr1-197421946-C-T. GRCh37 (hg19) VCF-style: chr1-197391076-C-T.
Other names: c.1782C>T, p.Asn594= (NM_001193640.2); c.1911C>T, p.Asn637= (NM_001257965.2); c.2118C>T, p.Asn706= (NM_001257966.2); c.2118C>T (NM_201253.2).
Identifiers: ClinVar variation 1120307 (VCV001120307.12), dbSNP rs775275370, ClinGen allele CA1312034.

ClinVar aggregate classification (germline): Likely benign. Review status: criteria provided, multiple submitters, no conflicts (2 of 4 stars). 3 submissions from 3 submitters: Likely benign (2). 1 of the submissions does not count toward it. Last evaluated 2025-10-25.

Conditions:
Leber congenital amaurosis 8 (LCA8). Identifiers: Orphanet 65, MedGen C3151202, MONDO:0013453, OMIM 613835.
Retinitis pigmentosa 12 (RP12). Also called: RP WITH OR WITHOUT PRESERVED PARAARTERIOLE RETINAL PIGMENT EPITHELIUM; RETINITIS PIGMENTOSA WITH OR WITHOUT PARAARTERIOLAR PRESERVATION OF RETINAL PIGMENT EPITHELIUM; RP WITH OR WITHOUT PPRPE. Identifiers: Orphanet 791, MedGen C1838647, MONDO:0010818, OMIM 600105.
CRB1-related disorder. Also called: CRB1-related condition; CRB1-related disorders.

Allele frequency attached by ClinVar (database versions not stated): gnomAD exomes below 0.00001 and 0.00005; ExAC 0.00001; TOPMed 0.00001; gnomAD 0.00002.
gnomAD v4.1: 80 of 1,613,764 alleles (0.005%); highest among the groups gnomAD compares: Non-Finnish European, 0.0059%; no homozygotes.

Submissions (3):

Labcorp Genetics (formerly Invitae), Labcorp
Classification: Likely benign for Leber congenital amaurosis 8; Retinitis pigmentosa 12. Last evaluated: 2025-10-25. Review status: criteria provided, single submitter. Criteria: Invitae Variant Classification Sherloc (09022015). Collection method: clinical testing. Allele origin: germline.

Blueprint Genetics
Classification: Likely benign. Last evaluated: 2023-11-27. Review status: criteria provided, single submitter. Criteria: ACMG Guidelines, 2015. Collection method: clinical testing. Allele origin: germline.

PreventionGenetics, part of Exact Sciences
Classification: Likely benign for CRB1-related condition. Last evaluated: 2022-07-11. Review status: no assertion criteria provided. Collection method: clinical testing. Allele origin: germline. Not counted in ClinVar's aggregate classification.
Comment: This variant is classified as likely benign based on ACMG/AMP sequence variant interpretation guidelines (Richards et al. 2015 PMID: 25741868, with internal and published modifications).